The following is an entry in ClinVar:

ClinVar aggregate classification (germline): Uncertain significance (1 of 4 stars; one submission).

gnomAD v4.1: 20 of 1,196,209 alleles (0.0017%); highest among the groups gnomAD compares: Non-Finnish European, 0.0021%; no homozygotes.

Submission:

Ambry Genetics
Classification: Uncertain significance. Last evaluated: 2025-12-24. Review status: criteria provided, single submitter. Criteria: Ambry Variant Classification Scheme 2023. Collection method: clinical testing. Allele origin: germline.
Comment: The c.353C>T (p.P118L) alteration is located in exon 5 (coding exon 5) of the NRK gene. This alteration results from a C to T substitution at nucleotide position 353, causing the proline (P) at amino acid position 118 to be replaced by a leucine (L). Based on data from gnomAD, the T allele has an overall frequency of 0.001% (1/160946) total alleles studied. The highest observed frequency was 0.001% (1/71114) of European (non-Finnish) alleles. Based on insufficient or conflicting evidence, the clinical significance of this alteration remains unclear.

NM_198465.4(NRK):c.353C>T (p.Pro118Leu)

Gene: NRK (Nik related kinase; plus strand). Cytogenetic location: Xq22.3.
Variant type: single nucleotide variant.
Coding change: c.353C>T on transcript NM_198465.4 (MANE Select); coding-DNA position 353, C replaced by T.
Protein change: p.Pro118Leu; replaces proline 118 with leucine.
Molecular consequence: missense variant.
Genome position (GRCh38, 1-based): chrX:105,888,394, C>T. VCF-style: chrX-105888394-C-T. GRCh37 (hg19) VCF-style: chrX-105132387-C-T.
Other names: short protein forms P118L.
Identifiers: ClinVar variation 4828214 (VCV004828214.1).
Genomic context (GRCh38, chrX:105,888,394, plus strand): 5'-GGAAGTACTCTTTCCACAAAAACATTGTGTCCTTCTATGGAGCATTTTTCAAGCTGAGTC[C>T]CCCTGGTCAGCGGCACCAACTTTGGGTATGTTTTTAATTACACTGTTCTTATTCTATAAG-3'
Protein context (NP_940867.2, residues 108-128): SFYGAFFKLS[Pro118Leu]PGQRHQLWMV